The following is an entry in ClinVar:

ClinVar aggregate classification (germline): Uncertain significance. Review status: criteria provided, multiple submitters, no conflicts (2 of 4 stars). 2 submissions from 2 submitters: Uncertain significance (2). Last evaluated 2025-12-04.

Conditions:
Ataxia - intellectual disability - oculomotor apraxia - cerebellar cysts syndrome. Also called: Poretti-Boltshauser syndrome. Identifiers: Orphanet 370022, MedGen C4014821, MONDO:0014419, OMIM 615960.
Inborn genetic diseases. Identifiers: MedGen C0950123, MeSH D030342.

Allele frequency attached by ClinVar (database versions not stated): gnomAD 0.00001; gnomAD exomes 0.00003; 1000 Genomes Project 30x 0.00016; TOPMed 0.00002; 1000 Genomes Project 0.00020; ExAC 0.00003.
gnomAD v4.1: 51 of 1,611,484 alleles (0.0032%); highest among the groups gnomAD compares: South Asian, 0.0066%; no homozygotes.

Submissions (2):

Ambry Genetics
Classification: Uncertain significance for Inborn genetic diseases. Last evaluated: 2025-12-04. Review status: criteria provided, single submitter. Criteria: Ambry Variant Classification Scheme 2023. Collection method: clinical testing. Allele origin: germline.
Comment: The c.2135C>T (p.P712L) alteration is located in exon 15 (coding exon 15) of the LAMA1 gene. This alteration results from a C to T substitution at nucleotide position 2135, causing the proline (P) at amino acid position 712 to be replaced by a leucine (L). Based on data from gnomAD, the T allele has an overall frequency of 0.003% (8/278040) total alleles studied. The highest observed frequency was 0.014% (1/7090) of Other alleles. Based on insufficient or conflicting evidence, the clinical significance of this alteration remains unclear.

Revvity Omics, Revvity
Classification: Uncertain significance for Ataxia - intellectual disability - oculomotor apraxia - cerebellar cysts syndrome. Last evaluated: 2022-08-31. Review status: criteria provided, single submitter. Criteria: ACMG Guidelines, 2015. Collection method: clinical testing. Allele origin: germline.

NM_005559.4(LAMA1):c.2135C>T (p.Pro712Leu)

Gene: LAMA1 (laminin subunit alpha 1; minus strand). Cytogenetic location: 18p11.31.
Variant type: single nucleotide variant.
Coding change: c.2135C>T on transcript NM_005559.4 (MANE Select); coding-DNA position 2135, C replaced by T.
Protein change: p.Pro712Leu; replaces proline 712 with leucine.
Molecular consequence: missense variant.
Genome position (GRCh38, 1-based): chr18:7,033,012, G>A on the plus strand (C>T on the coding strand, the complement: LAMA1 is on the minus strand). VCF-style: chr18-7033012-G-A. GRCh37 (hg19) VCF-style: chr18-7033011-G-A.
Other names: c.2135C>T (NM_005559.3); short protein forms P712L.
Identifiers: ClinVar variation 2433285 (VCV002433285.4), dbSNP rs532355831, ClinGen allele CA8882760.
Genomic context (GRCh38, chr18:7,033,012, plus strand): 5'-AAAGGAAAAAGACAGGAAGAGAGAAGCGTCACCTCACAGGAGGTCCCTGTGTAGCCTTGC[G>A]GACATTCACAGTGCTCCACATCAGCGGCCACCACCAGGTCGATGGCATTAGAGCTGGCTA-3'
Protein context (NP_005550.2, residues 702-722): VAADVEHCEC[Pro712Leu]QGYTGTSCES